The following is an entry in ClinVar:

ClinVar aggregate classification (germline): Uncertain significance. Review status: criteria provided, multiple submitters, no conflicts (2 of 4 stars). 3 submissions from 3 submitters: Uncertain significance (2). 1 of the submissions does not count toward it. Last evaluated 2025-04-21.

Conditions:
Neuromuscular disease caused by qualitative or quantitative defects of dysferlin. Also called: Qualitative or quantitative defects of dysferlin; Dysferlinopathy. Identifiers: Orphanet 207073, MedGen C2931687, MONDO:0016145.
Autosomal recessive limb-girdle muscular dystrophy type 2B (LGMDR2). Also called: MUSCULAR DYSTROPHY, LIMB-GIRDLE, TYPE 3; MUSCULAR DYSTROPHY, LIMB-GIRDLE, AUTOSOMAL RECESSIVE 2; Limb-girdle muscular dystrophy, type 2B; Limb-Girdle Muscular Dystrophy Type 2B (LGMD2B). Identifiers: Orphanet 268, MedGen C1850889, MONDO:0009676, OMIM 253601.

Allele frequency attached by ClinVar (database versions not stated): gnomAD exomes below 0.00001; ExAC 0.00001; gnomAD 0.00001; TOPMed 0.00001.
gnomAD v4.1: 5 of 1,612,550 alleles (0.00031%); highest among the groups gnomAD compares: East Asian, 0.0045%; no homozygotes.

Submissions (3):

GeneDx
Classification: Uncertain significance. Last evaluated: 2025-04-21. Review status: criteria provided, single submitter. Criteria: GeneDx Variant Classification Process June 2021. Collection method: clinical testing. Allele origin: germline. Affected: yes.
Comment: Not observed at significant frequency in large population cohorts (gnomAD); In silico analysis indicates that this missense variant does not alter protein structure/function; Has not been previously published as pathogenic or benign to our knowledge

Labcorp Genetics (formerly Invitae), Labcorp
Classification: Uncertain significance for Neuromuscular disease caused by qualitative or quantitative defects of dysferlin. Last evaluated: 2024-08-31. Review status: criteria provided, single submitter. Criteria: Invitae Variant Classification Sherloc (09022015). Collection method: clinical testing. Allele origin: germline.
Comment: This sequence change replaces isoleucine, which is neutral and non-polar, with valine, which is neutral and non-polar, at codon 1485 of the DYSF protein (p.Ile1485Val). This variant is present in population databases (rs779344280, gnomAD 0.006%). This variant has not been reported in the literature in individuals affected with DYSF-related conditions. ClinVar contains an entry for this variant (Variation ID: 956025). Invitae Evidence Modeling of protein sequence and biophysical properties (such as structural, functional, and spatial information, amino acid conservation, physicochemical variation, residue mobility, and thermodynamic stability) indicates that this missense variant is not expected to disrupt DYSF protein function with a negative predictive value of 95%. In summary, the available evidence is currently insufficient to determine the role of this variant in disease. Therefore, it has been classified as a Variant of Uncertain Significance.

Natera, Inc.
Classification: Uncertain significance for Limb-girdle muscular dystrophy type 2B. Last evaluated: 2020-03-17. Review status: no assertion criteria provided. Collection method: clinical testing. Allele origin: germline. Not counted in ClinVar's aggregate classification.

NM_001130987.2(DYSF):c.4570A>G (p.Ile1524Val)

Gene: DYSF (dysferlin; plus strand). Cytogenetic location: 2p13.2.
Variant type: single nucleotide variant.
Coding change: c.4570A>G on transcript NM_001130987.2 (MANE Select); coding-DNA position 4570, A replaced by G.
Protein change: p.Ile1524Val; replaces isoleucine 1524 with valine.
Molecular consequence: missense variant.
Genome position (GRCh38, 1-based): chr2:71,644,007, A>G. VCF-style: chr2-71644007-A-G. GRCh37 (hg19) VCF-style: chr2-71871137-A-G.
Other names: c.4456A>G, p.Ile1486Val (NM_001130455.2); c.4411A>G, p.Ile1471Val (NM_001130976.2); c.4474A>G, p.Ile1492Val (NM_001130977.2); c.4516A>G, p.Ile1506Val (NM_001130978.2); c.4546A>G, p.Ile1516Val (NM_001130979.2); c.4504A>G, p.Ile1502Val (NM_001130980.2); c.4567A>G, p.Ile1523Val (NM_001130981.2); c.4549A>G, p.Ile1517Val (NM_001130982.2); and 5 more; short protein forms I1493V, I1471V, I1506V, I1507V, I1492V, I1502V, I1503V, I1516V.
Identifiers: ClinVar variation 956025 (VCV000956025.11), dbSNP rs779344280, ClinGen allele CA1707054.